The following is an entry in ClinVar:

NM_006031.6(PCNT):c.481_519dup (p.Val161_Thr173dup)

Gene: PCNT (pericentrin; plus strand). Cytogenetic location: 21q22.3.
Variant type: Duplication.
Coding change: c.481_519dup on transcript NM_006031.6 (MANE Select); coding-DNA positions 481 to 519, 39 bases duplicated.
Protein change: p.Val161_Thr173dup.
Molecular consequence: inframe insertion.
Genome position (GRCh38, 1-based): chr21:46,334,610-46,334,648, 39 bases duplicated; duplicating any 39 consecutive bases within chr21:46,334,597-46,334,648 gives the same sequence; the c. name uses the placement nearest the transcript's 3' end. GRCh37 (hg19): chr21:47,754,524-47,754,562.
Other names: c.127_165dup, p.Val43_Thr55dup (NM_001315529.2); c.481_519dup39 (NM_006031.5).
Identifiers: ClinVar variation 282234 (VCV000282234.8), dbSNP rs886042352, ClinGen allele CA10604116.

ClinVar aggregate classification (germline): Uncertain significance. Review status: criteria provided, single submitter (1 of 4 stars). 2 submissions from 2 submitters: Uncertain significance (1). 1 of the submissions does not count toward it. Last evaluated 2015-07-29.

Conditions:
PCNT-related disorder. Also called: PCNT-related condition.

Submissions (2):

Eurofins Ntd Llc (ga)
Classification: Uncertain significance. Last evaluated: 2015-07-29. Review status: criteria provided, single submitter. Criteria: EGL Classification Definitions. Collection method: clinical testing. Allele origin: germline. Observed: 1 variant allele, 1 heterozygote.

PreventionGenetics, part of Exact Sciences
Classification: Likely benign for PCNT-related condition. Last evaluated: 2021-12-21. Review status: no assertion criteria provided. Collection method: clinical testing. Allele origin: germline. Not counted in ClinVar's aggregate classification.
Comment: This variant is classified as likely benign based on ACMG/AMP sequence variant interpretation guidelines (Richards et al. 2015 PMID: 25741868, with internal and published modifications).